The following is an entry in ClinVar:

ClinVar aggregate classification (germline): Likely benign (0 of 4 stars; one submission).

Conditions:
CDK9-related disorder. Also called: CDK9-related condition.

Allele frequency attached by ClinVar (database versions not stated): ExAC 0.00001; gnomAD 0.00001; TOPMed 0.00001.
gnomAD v4.1: 26 of 1,614,054 alleles (0.0016%); highest among the groups gnomAD compares: South Asian, 0.0066%; no homozygotes.

Submission:

PreventionGenetics, part of Exact Sciences
Classification: Likely benign for CDK9-related condition. Last evaluated: 2023-01-05. Review status: no assertion criteria provided. Collection method: clinical testing. Allele origin: germline.
Comment: This variant is classified as likely benign based on ACMG/AMP sequence variant interpretation guidelines (Richards et al. 2015 PMID: 25741868, with internal and published modifications).

NM_001261.4(CDK9):c.318C>T (p.Cys106=)

Gene: CDK9 (cyclin dependent kinase 9; plus strand). Cytogenetic location: 9q34.11.
Variant type: single nucleotide variant.
Coding change: c.318C>T on transcript NM_001261.4 (MANE Select); coding-DNA position 318, C replaced by T.
Protein change: p.Cys106=; no amino-acid change (cysteine 106 retained).
Molecular consequence: synonymous variant.
Genome position (GRCh38, 1-based): chr9:127,787,999, C>T. VCF-style: chr9-127787999-C-T. GRCh37 (hg19) VCF-style: chr9-130550278-C-T.
Identifiers: ClinVar variation 3061565 (VCV003061565.2), dbSNP rs780150458, ClinGen allele CA5251704.